The following is an entry in ClinVar:

ClinVar aggregate classification (germline): Uncertain significance (1 of 4 stars; one submission).

Submission:

GeneDx
Classification: Uncertain significance. Last evaluated: 2021-11-21. Review status: criteria provided, single submitter. Criteria: GeneDx Variant Classification Process June 2021. Collection method: clinical testing. Allele origin: germline. Affected: yes.
Comment: Has not been previously published as pathogenic or benign to our knowledge; Not observed at significant frequency in large population cohorts (Lek et al., 2016); In silico analysis, which includes protein predictors and evolutionary conservation, supports a deleterious effect

NM_001164508.2(NEB):c.19358C>G (p.Thr6453Arg)

Gene: NEB (nebulin; minus strand). Cytogenetic location: 2q23.3.
Variant type: single nucleotide variant.
Coding change: c.19358C>G on transcript NM_001164508.2 (MANE Select); coding-DNA position 19358, C replaced by G.
Protein change: p.Thr6453Arg; replaces threonine 6453 with arginine.
Molecular consequence: missense variant.
Genome position (GRCh38, 1-based): chr2:151,555,001, G>C on the plus strand (C>G on the coding strand, the complement: NEB is on the minus strand). VCF-style: chr2-151555001-G-C. GRCh37 (hg19) VCF-style: chr2-152411515-G-C.
Other names: c.19358C>G, p.Thr6453Arg (NM_001164507.2, NM_001271208.2); c.14255C>G, p.Thr4752Arg (NM_004543.5); short protein forms T4752R, T6453R.
Identifiers: ClinVar variation 1325955 (VCV001325955.2), dbSNP rs370810654, ClinGen allele CA348792423.